The following is an entry in ClinVar:

ClinVar aggregate classification (germline): Uncertain significance (1 of 4 stars; one submission).

Allele frequency attached by ClinVar (database versions not stated): ExAC 0.00002.
gnomAD v4.1: 26 of 1,613,746 alleles (0.0016%); highest among the groups gnomAD compares: Middle Eastern, 0.016%; no homozygotes.

Submission:

Labcorp Genetics (formerly Invitae), Labcorp
Classification: Uncertain significance. Last evaluated: 2021-08-23. Review status: criteria provided, single submitter. Criteria: Invitae Variant Classification Sherloc (09022015). Collection method: clinical testing. Allele origin: germline.
Comment: This sequence change replaces glutamic acid with glutamine at codon 659 of the ADD3 protein (p.Glu659Gln). The glutamic acid residue is highly conserved and there is a small physicochemical difference between glutamic acid and glutamine. This variant is present in population databases (rs753083630, ExAC 0.02%). This missense change has been observed in individual(s) with microcephaly and intellectual disability (PMID: 29768408). Algorithms developed to predict the effect of missense changes on protein structure and function are either unavailable or do not agree on the potential impact of this missense change (SIFT: "Not Available"; PolyPhen-2: "Probably Damaging"; Align-GVGD: "Not Available"). Experimental studies have shown that this missense change affects ADD3 function (PMID: 29768408). In summary, the available evidence is currently insufficient to determine the role of this variant in disease. Therefore, it has been classified as a Variant of Uncertain Significance.

Literature cited by the submitters: PubMed 29768408.

NM_016824.5(ADD3):c.1975G>C (p.Glu659Gln)

Gene: ADD3 (adducin 3; plus strand). Cytogenetic location: 10q25.2.
Variant type: single nucleotide variant.
Coding change: c.1975G>C on transcript NM_016824.5 (MANE Select); coding-DNA position 1975, G replaced by C.
Protein change: p.Glu659Gln; replaces glutamic acid 659 with glutamine.
Molecular consequence: missense variant.
Genome position (GRCh38, 1-based): chr10:110,133,472, G>C. VCF-style: chr10-110133472-G-C. GRCh37 (hg19) VCF-style: chr10-111893230-G-C.
Other names: c.1879G>C, p.Glu627Gln (NM_001121.4, NM_019903.5); c.1975G>C, p.Glu659Gln (NM_001320591.2, NM_001320592.2, NM_001320593.2); c.1741G>C, p.Glu581Gln (NM_001320594.2); short protein forms E627Q, E581Q, E659Q.
Identifiers: ClinVar variation 1399469 (VCV001399469.3), dbSNP rs753083630, ClinGen allele CA5686787.